The following is an entry in ClinVar:

NM_006644.4(HSPH1):c.1030G>T (p.Ala344Ser)

Gene: HSPH1 (heat shock protein family H (Hsp110) member 1; minus strand). Cytogenetic location: 13q12.3.
Variant type: single nucleotide variant.
Coding change: c.1030G>T on transcript NM_006644.4 (MANE Select); coding-DNA position 1030, G replaced by T.
Protein change: p.Ala344Ser; replaces alanine 344 with serine.
Molecular consequence: missense variant.
Genome position (GRCh38, 1-based): chr13:31,150,061, C>A on the plus strand (G>T on the coding strand, the complement: HSPH1 is on the minus strand). VCF-style: chr13-31150061-C-A. GRCh37 (hg19) VCF-style: chr13-31724198-C-A.
Other names: c.1030G>T, p.Ala344Ser (NM_001286503.2, NM_001349704.2); c.1036G>T, p.Ala346Ser (NM_001286504.1); c.802G>T, p.Ala268Ser (NM_001286505.1); short protein forms A344S, A268S, A346S.
Identifiers: ClinVar variation 228744 (VCV000228744.5), dbSNP rs774955562, ClinGen allele CA6936004.

ClinVar aggregate classification (germline): Uncertain significance. Review status: criteria provided, multiple submitters, no conflicts (2 of 4 stars). 2 submissions from 2 submitters: Uncertain significance (2). Last evaluated 2025-04-04.

Allele frequency attached by ClinVar (database versions not stated): ExAC 0.00002; TOPMed 0.00002.
gnomAD v4.1: 212 of 1,613,654 alleles (0.013%); highest among the groups gnomAD compares: Non-Finnish European, 0.017%; no homozygotes.

Submissions (2):

Ambry Genetics
Classification: Uncertain significance. Last evaluated: 2025-04-04. Review status: criteria provided, single submitter. Criteria: Ambry Variant Classification Scheme 2023. Collection method: clinical testing. Allele origin: germline.

Laboratory for Molecular Medicine, Mass General Brigham Personalized Medicine
Classification: Uncertain significance. Last evaluated: 2015-08-25. Review status: criteria provided, single submitter. Criteria: LMM Criteria. Collection method: clinical testing. Allele origin: germline. Observed: 1 variant allele.
Comment: The p.Ala344Ser variant in HSPH1 has not been previously associated with diseas e, but has been identified in 2/66632 European chromosomes by the Exome Aggregat ion Consortium (ExAC). Computational prediction tools and conservation analysis suggest that the p.Ala344Ser variant may not imp act the protein, though this information is not predictive enough to rule out pa thogenicity. In summary, the clinical significance of the p.Ala344Ser variant is uncertain.